The following is an entry in ClinVar:

NM_015634.4(KIFBP):c.710G>A (p.Arg237His)

Gene: KIFBP (kinesin family binding protein; plus strand). Cytogenetic location: 10q22.1.
Variant type: single nucleotide variant.
Coding change: c.710G>A on transcript NM_015634.4 (MANE Select); coding-DNA position 710, G replaced by A.
Protein change: p.Arg237His; replaces arginine 237 with histidine.
Molecular consequence: missense variant.
Genome position (GRCh38, 1-based): chr10:69,005,836, G>A. VCF-style: chr10-69005836-G-A. GRCh37 (hg19) VCF-style: chr10-70765592-G-A.
Other names: c.710G>A (NM_015634.3); short protein forms R237H.
Identifiers: ClinVar variation 2414924 (VCV002414924.7), dbSNP rs760604068, ClinGen allele CA5529748.

ClinVar aggregate classification (germline): Uncertain significance. Review status: criteria provided, multiple submitters, no conflicts (2 of 4 stars). 2 submissions from 2 submitters: Uncertain significance (2). Last evaluated 2025-06-18.

Allele frequency attached by ClinVar (database versions not stated): ExAC 0.00004; TOPMed 0.00004.
gnomAD v4.1: 60 of 1,613,868 alleles (0.0037%); highest among the groups gnomAD compares: Middle Eastern, 0.033%; no homozygotes.

Submissions (2):

Ambry Genetics
Classification: Uncertain significance. Last evaluated: 2025-06-18. Review status: criteria provided, single submitter. Criteria: Ambry Variant Classification Scheme 2023. Collection method: clinical testing. Allele origin: germline.

Labcorp Genetics (formerly Invitae), Labcorp
Classification: Uncertain significance. Last evaluated: 2022-06-13. Review status: criteria provided, single submitter. Criteria: Invitae Variant Classification Sherloc (09022015). Collection method: clinical testing. Allele origin: germline.
Comment: Algorithms developed to predict the effect of missense changes on protein structure and function (SIFT, PolyPhen-2, Align-GVGD) all suggest that this variant is likely to be disruptive. In summary, the available evidence is currently insufficient to determine the role of this variant in disease. Therefore, it has been classified as a Variant of Uncertain Significance. This variant has not been reported in the literature in individuals affected with KIF1BP-related conditions. This variant is present in population databases (rs760604068, gnomAD 0.01%). This sequence change replaces arginine, which is basic and polar, with histidine, which is basic and polar, at codon 237 of the KIF1BP protein (p.Arg237His).